The following is an entry in ClinVar:

NM_006796.3(AFG3L2):c.2375G>C (p.Gly792Ala)

Genes: AFG3L2 (AFG3 like matrix AAA peptidase subunit 2; minus strand), TUBB6 (tubulin beta 6 class V; plus strand). Cytogenetic location: 18p11.21.
Variant type: single nucleotide variant.
Coding change: c.2375G>C on transcript NM_006796.3 (MANE Select); coding-DNA position 2375, G replaced by C.
Protein change: p.Gly792Ala; replaces glycine 792 with alanine.
Molecular consequence: missense variant. On other transcripts: 3 prime UTR variant (1).
Genome position (GRCh38, 1-based): chr18:12,329,584, C>G on the plus strand (G>C on the coding strand, the complement: AFG3L2 is on the minus strand). VCF-style: chr18-12329584-C-G. GRCh37 (hg19) VCF-style: chr18-12329583-C-G.
Other names: c.*401C>G (NM_001303525.2); short protein forms G792A.
Identifiers: ClinVar variation 3069060 (VCV003069060.2), dbSNP rs2510216250, ClinGen allele CA401950480.

ClinVar aggregate classification (germline): Uncertain significance (1 of 4 stars; one submission).

Submission:

Women's Health and Genetics/Laboratory Corporation of America, LabCorp
Classification: Uncertain significance. Last evaluated: 2024-02-28. Review status: criteria provided, single submitter. Criteria: LabCorp Variant Classification Summary - May 2015. Collection method: clinical testing. Allele origin: germline.
Comment: Variant summary: AFG3L2 c.2375G>C (p.Gly792Ala) results in a non-conservative amino acid change in the encoded protein sequence. Four of five in-silico tools predict a benign effect of the variant on protein function. The variant was absent in 251472 control chromosomes. The available data on variant occurrences in the general population are insufficient to allow any conclusion about variant significance. To our knowledge, no occurrence of c.2375G>C in individuals affected with Spinocerebellar Ataxia Type 28 and no experimental evidence demonstrating its impact on protein function have been reported. No submitters have cited clinical-significance assessments for this variant to ClinVar. Based on the evidence outlined above, the variant was classified as uncertain significance.